The following is an entry in ClinVar:

NM_005148.4(UNC119):c.242del (p.Glu81fs)

Gene: UNC119 (unc-119 lipid binding chaperone; minus strand). Cytogenetic location: 17q11.2.
Variant type: Deletion.
Coding change: c.242del on transcript NM_005148.4 (MANE Select); coding-DNA position 242, one base deleted (A; older notation c.242delA).
Protein change: p.Glu81fs; shifts the reading frame from glutamic acid 81.
Molecular consequence: frameshift variant. On other transcripts: 5 prime UTR variant (1).
Genome position (GRCh38, 1-based): chr17:28,548,684, T deleted on the plus strand (A on the coding strand, the reverse complement: UNC119 is on the minus strand). VCF-style (leftmost placement, unchanged base first): chr17-28548683-CT-C. GRCh37 (hg19) VCF-style: chr17-26875701-CT-C.
Other names: c.-44del (NM_001330166.2); c.242del, p.Glu81fs (NM_054035.2); short protein forms E81fs.
Identifiers: ClinVar variation 843341 (VCV000843341.6), dbSNP rs1207082173, ClinGen allele CA499069679.

ClinVar aggregate classification (germline): Uncertain significance (1 of 4 stars; one submission).

Allele frequency attached by ClinVar (database versions not stated): gnomAD exomes below 0.00001; TOPMed below 0.00001; gnomAD 0.00001.

Submission:

Labcorp Genetics (formerly Invitae), Labcorp
Classification: Uncertain significance. Last evaluated: 2022-01-06. Review status: criteria provided, single submitter. Criteria: Invitae Variant Classification Sherloc (09022015). Collection method: clinical testing. Allele origin: germline.
Comment: In summary, the available evidence is currently insufficient to determine the role of this variant in disease. Therefore, it has been classified as a Variant of Uncertain Significance. ClinVar contains an entry for this variant (Variation ID: 843341). This variant has not been reported in the literature in individuals affected with UNC119-related conditions. This variant is not present in population databases (gnomAD no frequency). This sequence change creates a premature translational stop signal (p.Glu81Glyfs*60) in the UNC119 gene. It is expected to result in an absent or disrupted protein product. However, the current clinical and genetic evidence is not sufficient to establish whether loss-of-function variants in UNC119 cause disease.